The following is an entry in ClinVar:

NM_001737.5(C9):c.1645+5G>A

Gene: C9 (complement C9; minus strand). Cytogenetic location: 5p13.1.
Variant type: single nucleotide variant.
Coding change: c.1645+5G>A on transcript NM_001737.5 (MANE Select); 5 bases into the intron after coding-DNA position 1645, G replaced by A.
Molecular consequence: intron variant.
Genome position (GRCh38, 1-based): chr5:39,288,718, C>T on the plus strand (G>A on the coding strand, the complement: C9 is on the minus strand). VCF-style: chr5-39288718-C-T. GRCh37 (hg19) VCF-style: chr5-39288820-C-T.
Identifiers: ClinVar variation 1438145 (VCV001438145.6), dbSNP rs1017675943, ClinGen allele CA117588165.

ClinVar aggregate classification (germline): Uncertain significance (1 of 4 stars; one submission).

Allele frequency attached by ClinVar (database versions not stated): gnomAD 0.00003 and 0.00004.
gnomAD v4.1: 24 of 1,558,966 alleles (0.0015%); highest among the groups gnomAD compares: Non-Finnish European, 0.00071%; no homozygotes.

Submission:

Labcorp Genetics (formerly Invitae), Labcorp
Classification: Uncertain significance. Last evaluated: 2024-10-07. Review status: criteria provided, single submitter. Criteria: Invitae Variant Classification Sherloc (09022015). Collection method: clinical testing. Allele origin: germline.
Comment: This sequence change falls in intron 10 of the C9 gene. It does not directly change the encoded amino acid sequence of the C9 protein. It affects a nucleotide within the consensus splice site. This variant is present in population databases (no rsID available, gnomAD 0.004%). This variant has not been reported in the literature in individuals affected with C9-related conditions. ClinVar contains an entry for this variant (Variation ID: 1438145). Variants that disrupt the consensus splice site are a relatively common cause of aberrant splicing (PMID: 17576681, 9536098). Algorithms developed to predict the effect of sequence changes on RNA splicing suggest that this variant may disrupt the consensus splice site. In summary, the available evidence is currently insufficient to determine the role of this variant in disease. Therefore, it has been classified as a Variant of Uncertain Significance.

Literature cited by the submitters: PubMed 17576681; PubMed 9536098.